The following is an entry in ClinVar:

NM_014956.5(CEP164):c.2822G>C (p.Arg941Thr)

Gene: CEP164 (centrosomal protein 164; plus strand). Cytogenetic location: 11q23.3.
Variant type: single nucleotide variant.
Coding change: c.2822G>C on transcript NM_014956.5 (MANE Select); coding-DNA position 2822, G replaced by C.
Protein change: p.Arg941Thr; replaces arginine 941 with threonine.
Molecular consequence: missense variant.
Genome position (GRCh38, 1-based): chr11:117,394,981, G>C. VCF-style: chr11-117394981-G-C. GRCh37 (hg19) VCF-style: chr11-117265697-G-C.
Other names: c.2831G>C, p.Arg944Thr (NM_001271933.2); short protein forms R941T, R944T.
Identifiers: ClinVar variation 1505040 (VCV001505040.8), dbSNP rs749310077, ClinGen allele CA382729620.

ClinVar aggregate classification (germline): Uncertain significance (1 of 4 stars; one submission).

Conditions:
Nephronophthisis 15 (NPHP15). Identifiers: Orphanet 3156, MedGen C3541853, MONDO:0013917, OMIM 614845.

Allele frequency attached by ClinVar (database versions not stated): TOPMed below 0.00001.
gnomAD v4.1: 1 of 1,614,196 alleles (0.000062%); highest among the groups gnomAD compares: South Asian, 0.0011%; no homozygotes.

Submission:

Labcorp Genetics (formerly Invitae), Labcorp
Classification: Uncertain significance for Nephronophthisis 15. Last evaluated: 2022-07-06. Review status: criteria provided, single submitter. Criteria: Invitae Variant Classification Sherloc (09022015). Collection method: clinical testing. Allele origin: germline.
Comment: This variant has not been reported in the literature in individuals affected with CEP164-related conditions. In summary, the available evidence is currently insufficient to determine the role of this variant in disease. Therefore, it has been classified as a Variant of Uncertain Significance. Algorithms developed to predict the effect of missense changes on protein structure and function output the following: SIFT: "Deleterious"; PolyPhen-2: "Benign"; Align-GVGD: "Class C0". The threonine amino acid residue is found in multiple mammalian species, which suggests that this missense change does not adversely affect protein function. ClinVar contains an entry for this variant (Variation ID: 1505040). This variant is not present in population databases (gnomAD no frequency). This sequence change replaces arginine, which is basic and polar, with threonine, which is neutral and polar, at codon 941 of the CEP164 protein (p.Arg941Thr).